The following is an entry in ClinVar:

ClinVar aggregate classification (germline): Likely benign. Review status: criteria provided, multiple submitters, no conflicts (2 of 4 stars). 2 submissions from 2 submitters: Likely benign (2). Last evaluated 2025-11-04.

Conditions:
Joubert syndrome 20 (JBTS20). Identifiers: Orphanet 475, MedGen C3554235, MONDO:0013994, OMIM 614970.
Meckel syndrome, type 11 (MKS11). Identifiers: Orphanet 564, MedGen C3809352, MONDO:0014164, OMIM 615397.

Allele frequency attached by ClinVar (database versions not stated): gnomAD 0.00002; TOPMed 0.00003.
gnomAD v4.1: 10 of 1,509,884 alleles (0.00066%); highest among the groups gnomAD compares: Non-Finnish European, 0.00089%; no homozygotes.

Submissions (2):

Labcorp Genetics (formerly Invitae), Labcorp
Classification: Likely benign for Joubert syndrome 20; Meckel syndrome, type 11. Last evaluated: 2025-11-04. Review status: criteria provided, single submitter. Criteria: Invitae Variant Classification Sherloc (09022015). Collection method: clinical testing. Allele origin: germline.

GeneDx
Classification: Likely benign. Last evaluated: 2018-04-09. Review status: criteria provided, single submitter. Criteria: GeneDx Variant Classification (06012015). Collection method: clinical testing. Allele origin: germline. Affected: yes.
Comment: This variant is considered likely benign or benign based on one or more of the following criteria: it is a conservative change, it occurs at a poorly conserved position in the protein, it is predicted to be benign by multiple in silico algorithms, and/or has population frequency not consistent with disease.

NM_001077418.3(TMEM231):c.309+20G>T

Gene: TMEM231 (transmembrane protein 231; minus strand). Cytogenetic location: 16q23.1.
Variant type: single nucleotide variant.
Coding change: c.309+20G>T on transcript NM_001077418.3 (MANE Select); 20 bases into the intron after coding-DNA position 309, G replaced by T.
Molecular consequence: intron variant.
Genome position (GRCh38, 1-based): chr16:75,555,784, C>A on the plus strand (G>T on the coding strand, the complement: TMEM231 is on the minus strand). VCF-style: chr16-75555784-C-A. GRCh37 (hg19) VCF-style: chr16-75589682-C-A.
Other names: c.468+20G>T (NM_001077416.2).
Identifiers: ClinVar variation 681558 (VCV000681558.8), dbSNP rs1186787656, ClinGen allele CA723930657.